The following is an entry in ClinVar:

NM_004168.4(SDHA):c.1410C>T (p.Ser470=)

Gene: SDHA (succinate dehydrogenase complex flavoprotein subunit A; plus strand). Cytogenetic location: 5p15.33.
Variant type: single nucleotide variant.
Coding change: c.1410C>T on transcript NM_004168.4 (MANE Select); coding-DNA position 1410, C replaced by T.
Protein change: p.Ser470=; no amino-acid change (serine 470 retained).
Molecular consequence: synonymous variant.
Genome position (GRCh38, 1-based): chr5:236,577, C>T. VCF-style: chr5-236577-C-T. GRCh37 (hg19) VCF-style: chr5-236692-C-T.
Other names: c.1266C>T, p.Ser422= (NM_001294332.2); c.1410C>T, p.Ser470= (NM_001330758.2).
Identifiers: ClinVar variation 472329 (VCV000472329.30), dbSNP rs556476038, ClinGen allele CA3173215.

ClinVar aggregate classification (germline): Benign/Likely benign. Review status: criteria provided, multiple submitters, no conflicts (2 of 4 stars). 6 submissions from 6 submitters: Benign (2); Likely benign (4). Last evaluated 2026-01-26.

Conditions:
Pheochromocytoma/paraganglioma syndrome 5. Also called: Paragangliomas 5; SDHA-Related Hereditary Paraganglioma-Pheochromocytoma Syndrome. Identifiers: Orphanet 29072, MedGen C3279992, MONDO:0013602, OMIM 614165.
Mitochondrial complex II deficiency, nuclear type 1. Also called: SUCCINATE CoQ REDUCTASE DEFICIENCY. Identifiers: Orphanet 3208, MedGen C5700310, MONDO:0100294, OMIM 252011.
Hereditary cancer-predisposing syndrome. Also called: Hereditary neoplastic syndrome; Tumor predisposition; Neoplastic Syndromes, Hereditary; Hereditary Cancer Syndrome. Identifiers: Orphanet 140162, MedGen C0027672, MeSH D009386, MONDO:0015356.

Allele frequency attached by ClinVar (database versions not stated): gnomAD 0.00004 and 0.00001; gnomAD exomes 0.00005 and 0.00014; ExAC 0.00014; 1000 Genomes Project 0.00040; 1000 Genomes Project 30x 0.00047; TOPMed 0.00001.
gnomAD v4.1: 80 of 1,614,012 alleles (0.005%); highest among the groups gnomAD compares: South Asian, 0.076%; 2 homozygotes.

Submissions (6):

Labcorp Genetics (formerly Invitae), Labcorp
Classification: Likely benign for Pheochromocytoma/paraganglioma syndrome 5; Mitochondrial complex II deficiency, nuclear type 1. Last evaluated: 2026-01-26. Review status: criteria provided, single submitter. Criteria: Invitae Variant Classification Sherloc (09022015). Collection method: clinical testing. Allele origin: germline.

Myriad Genetics, Inc.
Classification: Benign for Pheochromocytoma/paraganglioma syndrome 5. Last evaluated: 2025-03-10. Review status: criteria provided, single submitter. Criteria: Myriad Autosomal Dominant, Autosomal Recessive and X-Linked Classification Criteria (2023). Collection method: clinical testing. Allele origin: unknown.
Comment: This variant is considered benign. This variant is a silent/synonymous amino acid change and it is not expected to impact splicing.

CeGaT Center for Human Genetics Tuebingen
Classification: Likely benign. Last evaluated: 2024-12-01. Review status: criteria provided, single submitter. Criteria: CeGaT Center For Human Genetics Tuebingen Variant Classification Criteria Version 2. Collection method: clinical testing. Allele origin: germline. Affected: yes. Observed: 1 variant allele.
Comment: SDHA: BP4, BP7

Quest Diagnostics Nichols Institute San Juan Capistrano
Classification: Benign. Last evaluated: 2023-09-21. Review status: criteria provided, single submitter. Criteria: Quest Diagnostics criteria. Collection method: clinical testing. Allele origin: unknown.

KCCC/NGS Laboratory, Kuwait Cancer Control Center
Classification: Likely benign for Pheochromocytoma/paraganglioma syndrome 5. Last evaluated: 2023-07-07. Review status: criteria provided, single submitter. Criteria: ACMG Guidelines, 2015. Collection method: clinical testing. Allele origin: germline. Affected: yes.

Ambry Genetics
Classification: Likely benign for Hereditary cancer-predisposing syndrome. Last evaluated: 2019-04-22. Review status: criteria provided, single submitter. Criteria: Ambry Variant Classification Scheme 2023. Collection method: clinical testing. Allele origin: germline.